The following is an entry in ClinVar:

ClinVar aggregate classification (germline): Uncertain significance (1 of 4 stars; one submission).

Submission:

Ambry Genetics
Classification: Uncertain significance. Last evaluated: 2022-10-30. Review status: criteria provided, single submitter. Criteria: Ambry Variant Classification Scheme 2023. Collection method: clinical testing. Allele origin: germline.
Comment: The p.I1813F variant (also known as c.5437A>T), located in coding exon 5 of the ALPK2 gene, results from an A to T substitution at nucleotide position 5437. The isoleucine at codon 1813 is replaced by phenylalanine, an amino acid with highly similar properties. This amino acid position is conserved. In addition, the in silico prediction for this alteration is inconclusive. Since supporting evidence is limited at this time, the clinical significance of this alteration remains unclear.

NM_052947.4(ALPK2):c.5437A>T (p.Ile1813Phe)

Gene: ALPK2 (alpha kinase 2; minus strand). Cytogenetic location: 18q21.31.
Variant type: single nucleotide variant.
Coding change: c.5437A>T on transcript NM_052947.4 (MANE Select); coding-DNA position 5437, A replaced by T.
Protein change: p.Ile1813Phe; replaces isoleucine 1813 with phenylalanine.
Molecular consequence: missense variant.
Genome position (GRCh38, 1-based): chr18:58,529,155, T>A on the plus strand (A>T on the coding strand, the complement: ALPK2 is on the minus strand). VCF-style: chr18-58529155-T-A. GRCh37 (hg19) VCF-style: chr18-56196387-T-A.
Other names: short protein forms I1813F.
Identifiers: ClinVar variation 1747521 (VCV001747521.2), dbSNP rs2051599147, ClinGen allele CA402553948.
Genomic context (GRCh38, chr18:58,529,155, plus strand): 5'-TCTGCACTTGGGCTATGGACTTTGAATCTTTTGTCCAGCAGATAGTAGAATCTTCATGAA[T>A]TTCTGCAAATTGGCAGCTTAATTTTACATTTCCAGAGTGTTCAGGGAACATCTCAGCTTG-3'
Protein context (NP_443179.3, residues 1803-1823): NVKLSCQFAE[Ile1813Phe]HEDSTICWTK